The following is an entry in ClinVar:

ClinVar aggregate classification (germline): Benign. Review status: criteria provided, multiple submitters, no conflicts (2 of 4 stars). 2 submissions from 2 submitters: Benign (2). Last evaluated 2018-01-13.

Conditions:
Exercise-induced hyperinsulinism (HHF7). Identifiers: Orphanet 165991, MedGen C1864902, MONDO:0012396, OMIM 610021.

Allele frequency attached by ClinVar (database versions not stated): 1000 Genomes Project 0.67552; gnomAD 0.65515 and 0.66095; TOPMed 0.66176; 1000 Genomes Project 30x 0.67895.

Submissions (2):

Illumina Laboratory Services, Illumina
Classification: Benign for Exercise-induced hyperinsulinism. Last evaluated: 2018-01-13. Review status: criteria provided, single submitter. Criteria: ICSL Variant Classification Criteria 13 December 2019. Collection method: clinical testing. Allele origin: germline.
Comment: This variant was observed in the ICSL laboratory as part of a predisposition screen in an ostensibly healthy population. It had not been previously curated by ICSL or reported in the Human Gene Mutation Database (HGMD: prior to June 1st, 2018), and was therefore a candidate for classification through an automated scoring system. Utilizing variant allele frequency, disease prevalence and penetrance estimates, and inheritance mode, an automated score was calculated to assess if this variant is too frequent to cause the disease. Based on the score and internal cut-off values, a variant classified as benign is not then subjected to further curation. The score for this variant resulted in a classification of benign for this disease.

Breakthrough Genomics
Classification: Benign. Review status: criteria provided, single submitter. Criteria: ACMG Guidelines, 2015. Collection method: not provided. Allele origin: germline. Inheritance: Autosomal recessive inheritance. Affected: yes.

NM_003051.4(SLC16A1):c.*1414C>T

Gene: SLC16A1 (solute carrier family 16 member 1; minus strand). Cytogenetic location: 1p13.2.
Variant type: single nucleotide variant.
Coding change: c.*1414C>T on transcript NM_003051.4 (MANE Select); 1414 bases downstream of the stop codon, C replaced by T.
Molecular consequence: 3 prime UTR variant.
Genome position (GRCh38, 1-based): chr1:112,912,477, G>A on the plus strand (C>T on the coding strand, the complement: SLC16A1 is on the minus strand). VCF-style: chr1-112912477-G-A. GRCh37 (hg19) VCF-style: chr1-113455099-G-A.
Other names: c.*1414C>T (NM_001166496.2).
Identifiers: ClinVar variation 291831 (VCV000291831.6), dbSNP rs7169, ClinGen allele CA10607600.